The following is an entry in ClinVar:

NM_001384732.1(CPLANE1):c.4357C>G (p.Leu1453Val)

Genes: CPLANE1 (ciliogenesis and planar polarity effector complex subunit 1; minus strand), LOC129389274 (MPRA-validated peak5227 silencer; plus strand). Cytogenetic location: 5p13.2.
Variant type: single nucleotide variant.
Coding change: c.4357C>G on transcript NM_001384732.1 (MANE Select); coding-DNA position 4357, C replaced by G.
Protein change: p.Leu1453Val; replaces leucine 1453 with valine.
Molecular consequence: missense variant.
Genome position (GRCh38, 1-based): chr5:37,184,912, G>C on the plus strand (C>G on the coding strand, the complement: CPLANE1 is on the minus strand). VCF-style: chr5-37184912-G-C. GRCh37 (hg19) VCF-style: chr5-37185014-G-C.
Other names: c.4357C>G, p.Leu1453Val (NM_023073.4); short protein forms L1453V.
Identifiers: ClinVar variation 1957057 (VCV001957057.5), dbSNP rs2547854238, ClinGen allele CA359500104.

ClinVar aggregate classification (germline): Uncertain significance (1 of 4 stars; one submission).

Allele frequency attached by ClinVar (database versions not stated): gnomAD exomes below 0.00001.
gnomAD v4.1: 1 of 1,614,050 alleles (0.000062%); highest among the groups gnomAD compares: Middle Eastern, 0.016%; no homozygotes.

Submission:

Labcorp Genetics (formerly Invitae), Labcorp
Classification: Uncertain significance. Last evaluated: 2022-11-22. Review status: criteria provided, single submitter. Criteria: Invitae Variant Classification Sherloc (09022015). Collection method: clinical testing. Allele origin: germline.
Comment: In summary, the available evidence is currently insufficient to determine the role of this variant in disease. Therefore, it has been classified as a Variant of Uncertain Significance. Advanced modeling of protein sequence and biophysical properties (such as structural, functional, and spatial information, amino acid conservation, physicochemical variation, residue mobility, and thermodynamic stability) performed at Invitae indicates that this missense variant is not expected to disrupt CPLANE1 protein function. This variant has not been reported in the literature in individuals affected with CPLANE1-related conditions. This variant is not present in population databases (gnomAD no frequency). This sequence change replaces leucine, which is neutral and non-polar, with valine, which is neutral and non-polar, at codon 1453 of the CPLANE1 protein (p.Leu1453Val).